The following is an entry in ClinVar:

NM_024652.6(LRRK1):c.199C>T (p.Arg67Cys)

Gene: LRRK1 (leucine rich repeat kinase 1; plus strand). Cytogenetic location: 15q26.3.
Variant type: single nucleotide variant.
Coding change: c.199C>T on transcript NM_024652.6 (MANE Select); coding-DNA position 199, C replaced by T.
Protein change: p.Arg67Cys; replaces arginine 67 with cysteine.
Molecular consequence: missense variant.
Genome position (GRCh38, 1-based): chr15:100,973,905, C>T. VCF-style: chr15-100973905-C-T. GRCh37 (hg19) VCF-style: chr15-101514110-C-T.
Other names: c.199C>T (NM_024652.5); short protein forms R67C.
Identifiers: ClinVar variation 1617209 (VCV001617209.11), dbSNP rs528714330, ClinGen allele CA7760509.

ClinVar aggregate classification (germline): Benign. Review status: criteria provided, multiple submitters, no conflicts (2 of 4 stars). 3 submissions from 3 submitters: Benign (2). 1 of the submissions does not count toward it. Last evaluated 2026-01-26.

Conditions:
LRRK1-related disorder. Also called: LRRK1-related condition.

Allele frequency attached by ClinVar (database versions not stated): gnomAD exomes 0.00063 and 0.00064; gnomAD 0.00811 and 0.00879; 1000 Genomes Project 0.00919; 1000 Genomes Project 30x 0.01015; ExAC 0.01210.
gnomAD v4.1: 1,980 of 1,267,666 alleles (0.16%); highest among the groups gnomAD compares: African/African-American, 2.8%; 27 homozygotes.

Submissions (3):

Labcorp Genetics (formerly Invitae), Labcorp
Classification: Benign. Last evaluated: 2026-01-26. Review status: criteria provided, single submitter. Criteria: Invitae Variant Classification Sherloc (09022015). Collection method: clinical testing. Allele origin: germline.

Breakthrough Genomics
Classification: Benign. Review status: criteria provided, single submitter. Criteria: ACMG Guidelines, 2015. Collection method: not provided. Allele origin: germline. Inheritance: Autosomal recessive inheritance. Affected: yes.

PreventionGenetics, part of Exact Sciences
Classification: Benign for LRRK1-related condition. Last evaluated: 2019-07-15. Review status: no assertion criteria provided. Collection method: clinical testing. Allele origin: germline. Not counted in ClinVar's aggregate classification.
Comment: This variant is classified as benign based on ACMG/AMP sequence variant interpretation guidelines (Richards et al. 2015 PMID: 25741868, with internal and published modifications).